The following is an entry in ClinVar:

ClinVar aggregate classification (germline): Uncertain significance (1 of 4 stars; one submission).

Conditions:
Long QT syndrome (LQTS). Identifiers: MedGen C0023976, MeSH D008133, MONDO:0002442. Disease mechanism: loss of function. Inheritance: Various modes of inheritance.

Submission:

All of Us Research Program, National Institutes of Health
Classification: Uncertain significance for Long QT syndrome. Last evaluated: 2023-05-31. Review status: criteria provided, single submitter. Criteria: ACMG Guidelines, 2015. Collection method: clinical testing. Allele origin: germline. Inheritance: Autosomal dominant inheritance. Observed: 1 variant allele, 1 heterozygote.
Comment: This study involves interpretation of variants in research participants for the purpose of population health screening. Participant phenotype was not available at the time of variant classification. Additional details can be found in publication PMID: 35346344, PMCID: PMC8962531

NM_000238.4(KCNH2):c.1466_1472del (p.Ile489fs)

Gene: KCNH2 (potassium voltage-gated channel subfamily H member 2; minus strand). Cytogenetic location: 7q36.1.
Variant type: Deletion.
Coding change: c.1466_1472del on transcript NM_000238.4 (MANE Select); coding-DNA positions 1466 to 1472, 7 bases deleted (TCGCCGT; older notation c.1466_1472delTCGCCGT).
Protein change: p.Ile489fs; shifts the reading frame from isoleucine 489.
Molecular consequence: frameshift variant. On other transcripts: non-coding transcript variant (2).
Genome position (GRCh38, 1-based): chr7:150,952,510-150,952,516, ACGGCGA deleted on the plus strand (TCGCCGT on the coding strand, the reverse complement: KCNH2 is on the minus strand). VCF-style (leftmost placement, unchanged base first): chr7-150952509-GACGGCGA-G. GRCh37 (hg19) VCF-style: chr7-150649597-GACGGCGA-G.
Other names: c.446_452del, p.Ile149fs (NM_001204798.2, NM_172057.3); c.1178_1184del, p.Ile393fs (NM_001406753.1, NM_001406756.1); c.1289_1295del, p.Ile430fs (NM_001406755.1); c.1166_1172del, p.Ile389fs (NM_001406757.1); c.1466_1472del, p.Ile489fs (NM_172056.3); short protein forms I149fs, I389fs, I393fs, I430fs, I489fs.
Identifiers: ClinVar variation 3386902 (VCV003386902.1).
Genomic context (GRCh38, chr7:150,952,509, plus strand): 5'-GAGCAGGTCGAAGGGGATGGCGGCCACCATGTCGATGAGGAACCAGCCCTTGAAGTAGTG[GACGGCGA>G]TGCGGCCGGGGTGGCTGACCACCTCCTCGTTGGCATTGACGTAGGTGGTGCGGAAGTTGA-3'